The following is an entry in ClinVar:

ClinVar aggregate classification (germline): Likely benign (0 of 4 stars; one submission).

Conditions:
TFG-related disorder. Also called: TFG-related disorders; TFG-related condition.

Allele frequency attached by ClinVar (database versions not stated): ExAC 0.00001; gnomAD exomes 0.00006.

Submission:

PreventionGenetics, part of Exact Sciences
Classification: Likely benign for TFG-related condition. Last evaluated: 2024-08-08. Review status: no assertion criteria provided. Collection method: clinical testing. Allele origin: germline.
Comment: This variant is classified as likely benign based on ACMG/AMP sequence variant interpretation guidelines (Richards et al. 2015 PMID: 25741868, with internal and published modifications).

NM_006070.6(TFG):c.722-8del

Gene: TFG (trafficking from ER to golgi regulator; plus strand). Cytogenetic location: 3q12.2.
Variant type: Deletion.
Coding change: c.722-8del on transcript NM_006070.6 (MANE Select); 8 bases into the intron before coding-DNA position 722, one base deleted (G; older notation c.722-8delG).
Molecular consequence: intron variant.
Genome position (GRCh38, 1-based): chr3:100,744,825, G deleted. VCF-style (leftmost placement, unchanged base first): chr3-100744824-TG-T. GRCh37 (hg19) VCF-style: chr3-100463668-TG-T.
Other names: c.722-8del (NM_001007565.2, NM_001195478.2); c.710-8del (NM_001195479.2).
Identifiers: ClinVar variation 3051495 (VCV003051495.2), dbSNP rs766593431, ClinGen allele CA2517177.